The following is an entry in ClinVar:

ClinVar aggregate classification (germline): Conflicting classifications of pathogenicity. Review status: criteria provided, conflicting classifications (1 of 4 stars). 4 submissions from 4 submitters: Uncertain significance (3); Likely benign (1). Last evaluated 2025-09-05.

Conditions:
Hereditary cancer-predisposing syndrome. Also called: Tumor predisposition; Hereditary neoplastic syndrome; Hereditary Cancer Syndrome; Neoplastic Syndromes, Hereditary. Identifiers: Orphanet 140162, MedGen C0027672, MeSH D009386, MONDO:0015356.
Multiple endocrine neoplasia, type 2 (MEN2). Identifiers: Orphanet 653, MedGen C4048306, MONDO:0019003. Disease mechanism: gain of function.

Submissions (4):

Color Diagnostics, LLC DBA Color Health
Classification: Uncertain significance for Multiple endocrine neoplasia, type 2. Last evaluated: 2025-09-05. Review status: criteria provided, single submitter. Criteria: ACMG Guidelines, 2015. Collection method: clinical testing. Allele origin: germline.
Comment: This missense variant replaces serine with arginine at codon 401 of the RET protein. Computational prediction suggests that this variant may not impact protein structure and function. To our knowledge, functional studies have not been reported for this variant. This variant has not been reported in individuals affected with RET-related disorders in the literature. This variant has not been identified in the general population by the Genome Aggregation Database (gnomAD). The available evidence is insufficient to determine the role of this variant in disease conclusively. Therefore, this variant is classified as a Variant of Uncertain Significance.

Labcorp Genetics (formerly Invitae), Labcorp
Classification: Uncertain significance for Multiple endocrine neoplasia, type 2. Last evaluated: 2025-07-18. Review status: criteria provided, single submitter. Criteria: Invitae Variant Classification Sherloc (09022015). Collection method: clinical testing. Allele origin: germline.
Comment: This sequence change replaces serine, which is neutral and polar, with arginine, which is basic and polar, at codon 401 of the RET protein (p.Ser401Arg). This variant is not present in population databases (gnomAD no frequency). This variant has not been reported in the literature in individuals affected with RET-related conditions. ClinVar contains an entry for this variant (Variation ID: 936665). An algorithm developed to predict the effect of missense changes on protein structure and function (PolyPhen-2) suggests that this variant is likely to be tolerated. In summary, the available evidence is currently insufficient to determine the role of this variant in disease. Therefore, it has been classified as a Variant of Uncertain Significance.

All of Us Research Program, National Institutes of Health
Classification: Uncertain significance for Multiple endocrine neoplasia, type 2. Last evaluated: 2024-09-23. Review status: criteria provided, single submitter. Criteria: ACMG Guidelines, 2015. Collection method: clinical testing. Allele origin: germline. Inheritance: Autosomal dominant inheritance. Observed: 3 variant alleles, 3 heterozygotes.
Comment: This missense variant replaces serine with arginine at codon 401 of the RET protein. Computational prediction suggests that this variant may not impact protein structure and function (internally defined REVEL score threshold <= 0.5, PMID: 27666373). To our knowledge, functional studies have not been reported for this variant. This variant has not been reported in individuals affected with RET-related disorders in the literature. This variant has not been identified in the general population by the Genome Aggregation Database (gnomAD). The available evidence is insufficient to determine the role of this variant in disease conclusively. Therefore, this variant is classified as a Variant of Uncertain Significance.

This study involves interpretation of variants in research participants for the purpose of population health screening. Participant phenotype was not available at the time of variant classification. Additional details can be found in publication PMID: 35346344, PMCID: PMC8962531

Ambry Genetics
Classification: Likely benign for Hereditary cancer-predisposing syndrome. Last evaluated: 2023-05-04. Review status: criteria provided, single submitter. Criteria: Ambry Variant Classification Scheme 2023. Collection method: clinical testing. Allele origin: germline.

NM_020975.6(RET):c.1203C>A (p.Ser401Arg)

Gene: RET (ret proto-oncogene; plus strand). Cytogenetic location: 10q11.21.
Variant type: single nucleotide variant.
Coding change: c.1203C>A on transcript NM_020975.6 (MANE Select); coding-DNA position 1203, C replaced by A.
Protein change: p.Ser401Arg; replaces serine 401 with arginine.
Molecular consequence: missense variant.
Genome position (GRCh38, 1-based): chr10:43,109,170, C>A. VCF-style: chr10-43109170-C-A. GRCh37 (hg19) VCF-style: chr10-43604618-C-A.
Other names: c.1203C>A, p.Ser401Arg (NM_000323.2, NM_001406743.1, NM_001406744.1 and 6 more transcripts); c.441C>A, p.Ser147Arg (NM_001355216.2); c.1074C>A, p.Ser358Arg (NM_001406761.1, NM_001406762.1, NM_001406764.1 and 1 more transcripts); c.915C>A, p.Ser305Arg (NM_001406766.1, NM_001406767.1, NM_001406770.1); c.765C>A, p.Ser255Arg (NM_001406771.1, NM_001406773.1); c.477C>A, p.Ser159Arg (NM_001406775.1, NM_001406776.1, NM_001406777.1 and 1 more transcripts); c.213C>A, p.Ser71Arg (NM_001406784.1); short protein forms S401R, S147R, S305R, S159R, S71R, S255R, S358R.
Identifiers: ClinVar variation 936665 (VCV000936665.15), dbSNP rs781623106, ClinGen allele CA376547783.